The following is an entry in ClinVar:

ClinVar aggregate classification (germline): Uncertain significance (1 of 4 stars; one submission).

Conditions:
Hereditary cancer-predisposing syndrome. Also called: Neoplastic Syndromes, Hereditary; Hereditary Cancer Syndrome; Tumor predisposition; Hereditary neoplastic syndrome. Identifiers: Orphanet 140162, MedGen C0027672, MeSH D009386, MONDO:0015356.

Submission:

Ambry Genetics
Classification: Uncertain significance for Hereditary cancer-predisposing syndrome. Last evaluated: 2025-03-05. Review status: criteria provided, single submitter. Criteria: Ambry Variant Classification Scheme 2023. Collection method: clinical testing. Allele origin: germline.
Comment: The p.D170V variant (also known as c.509A>T), located in coding exon 5 of the SMARCB1 gene, results from an A to T substitution at nucleotide position 509. The aspartic acid at codon 170 is replaced by valine, an amino acid with highly dissimilar properties. This amino acid position is conserved. In addition, this alteration is predicted to be deleterious by in silico analysis. Based on the available evidence, the clinical significance of this variant remains unclear.

NM_003073.5(SMARCB1):c.509A>T (p.Asp170Val)

Gene: SMARCB1 (SWI/SNF related BAF chromatin remodeling complex subunit B1; plus strand). Cytogenetic location: 22q11.23.
Variant type: single nucleotide variant.
Coding change: c.509A>T on transcript NM_003073.5 (MANE Select); coding-DNA position 509, A replaced by T.
Protein change: p.Asp170Val; replaces aspartic acid 170 with valine.
Molecular consequence: missense variant.
Genome position (GRCh38, 1-based): chr22:23,803,303, A>T. VCF-style: chr22-23803303-A-T. GRCh37 (hg19) VCF-style: chr22-24145490-A-T.
Other names: c.482A>T, p.Asp161Val (NM_001007468.3); c.536A>T, p.Asp179Val (NM_001317946.2); c.563A>T, p.Asp188Val (NM_001362877.2); short protein forms D170V, D179V, D188V, D161V.
Identifiers: ClinVar variation 3798962 (VCV003798962.1).